The following is an entry in ClinVar:

ClinVar aggregate classification (germline): Uncertain significance (1 of 4 stars; one submission).

Conditions:
KSR2-related disorder. Also called: KSR2-related condition.

gnomAD v4.1: 9 of 1,613,398 alleles (0.00056%); highest among the groups gnomAD compares: Admixed American, 0.005%; no homozygotes.

Submission:

PreventionGenetics, part of Exact Sciences
Classification: Uncertain significance for KSR2-related condition. Last evaluated: 2026-07-10. Review status: criteria provided, single submitter. Criteria: ACMG Guidelines, 2015. Collection method: clinical testing. Allele origin: germline.
Comment: The KSR2 c.1667C>T variant is predicted to result in the amino acid substitution p.Pro556Leu. To our knowledge, this variant has not been reported in the literature. This variant is reported in 0.011% of alleles in individuals of East Asian descent in gnomAD. At this time, the clinical significance of this variant is uncertain due to the absence of conclusive functional and genetic evidence.

NM_173598.6(KSR2):c.1754C>T (p.Pro585Leu)

Gene: KSR2 (kinase suppressor of ras 2; minus strand). Cytogenetic location: 12q24.22.
Variant type: single nucleotide variant.
Coding change: c.1754C>T on transcript NM_173598.6 (MANE Select); coding-DNA position 1754, C replaced by T.
Protein change: p.Pro585Leu; replaces proline 585 with leucine.
Molecular consequence: missense variant.
Genome position (GRCh38, 1-based): chr12:117,530,989, G>A on the plus strand (C>T on the coding strand, the complement: KSR2 is on the minus strand). VCF-style: chr12-117530989-G-A. GRCh37 (hg19) VCF-style: chr12-117968794-G-A.
Other names: short protein forms P585L.
Identifiers: ClinVar variation 4977612 (VCV004977612.1), dbSNP rs267603330.